The following is an entry in ClinVar:

ClinVar aggregate classification (germline): Uncertain significance. Review status: criteria provided, multiple submitters, no conflicts (2 of 4 stars). 4 submissions from 4 submitters: Uncertain significance (4). Last evaluated 2026-02-04.

Conditions:
Inborn genetic diseases. Identifiers: MedGen C0950123, MeSH D030342.

Allele frequency attached by ClinVar (database versions not stated): gnomAD 0.00001; TOPMed 0.00001; gnomAD exomes 0.00003.
gnomAD v4.1: 39 of 1,614,124 alleles (0.0024%); highest among the groups gnomAD compares: Middle Eastern, 0.033%; no homozygotes.

Submissions (4):

GeneDx
Classification: Uncertain significance. Last evaluated: 2026-02-04. Review status: criteria provided, single submitter. Criteria: GeneDx Variant Classification Process June 2021. Collection method: clinical testing. Allele origin: germline. Affected: yes.
Comment: In silico analysis supports that this missense variant has a deleterious effect on protein structure/function; Has not been previously published as pathogenic or benign to our knowledge

Ambry Genetics
Classification: Uncertain significance for Inborn genetic diseases. Last evaluated: 2025-02-14. Review status: criteria provided, single submitter. Criteria: Ambry Variant Classification Scheme 2023. Collection method: clinical testing. Allele origin: germline.

Labcorp Genetics (formerly Invitae), Labcorp
Classification: Uncertain significance. Last evaluated: 2024-10-15. Review status: criteria provided, single submitter. Criteria: Invitae Variant Classification Sherloc (09022015). Collection method: clinical testing. Allele origin: germline.
Comment: This sequence change replaces glycine, which is neutral and non-polar, with aspartic acid, which is acidic and polar, at codon 216 of the DPYS protein (p.Gly216Asp). This variant is present in population databases (rs144263358, gnomAD 0.02%). This variant has not been reported in the literature in individuals affected with DPYS-related conditions. ClinVar contains an entry for this variant (Variation ID: 1307483). Invitae Evidence Modeling of protein sequence and biophysical properties (such as structural, functional, and spatial information, amino acid conservation, physicochemical variation, residue mobility, and thermodynamic stability) indicates that this missense variant is expected to disrupt DPYS protein function with a positive predictive value of 80%. In summary, the available evidence is currently insufficient to determine the role of this variant in disease. Therefore, it has been classified as a Variant of Uncertain Significance.

Blueprint Genetics
Classification: Uncertain significance. Last evaluated: 2023-09-22. Review status: criteria provided, single submitter. Criteria: ACMG Guidelines, 2015. Collection method: clinical testing. Allele origin: germline.

NM_001385.3(DPYS):c.647G>A (p.Gly216Asp)

Gene: DPYS (dihydropyrimidinase; minus strand). Cytogenetic location: 8q22.3.
Variant type: single nucleotide variant.
Coding change: c.647G>A on transcript NM_001385.3 (MANE Select); coding-DNA position 647, G replaced by A.
Protein change: p.Gly216Asp; replaces glycine 216 with aspartic acid.
Molecular consequence: missense variant.
Genome position (GRCh38, 1-based): chr8:104,444,394, C>T on the plus strand (G>A on the coding strand, the complement: DPYS is on the minus strand). VCF-style: chr8-104444394-C-T. GRCh37 (hg19) VCF-style: chr8-105456622-C-T.
Other names: short protein forms G216D.
Identifiers: ClinVar variation 1307483 (VCV001307483.12), dbSNP rs144263358, ClinGen allele CA4838506.